The following is an entry in ClinVar:

NM_001211.6(BUB1B):c.843G>C (p.Glu281Asp)

Gene: BUB1B (BUB1 mitotic checkpoint serine/threonine kinase B; plus strand). Cytogenetic location: 15q15.1.
Variant type: single nucleotide variant.
Coding change: c.843G>C on transcript NM_001211.6 (MANE Select); coding-DNA position 843, G replaced by C.
Protein change: p.Glu281Asp; replaces glutamic acid 281 with aspartic acid.
Molecular consequence: missense variant.
Genome position (GRCh38, 1-based): chr15:40,185,256, G>C. VCF-style: chr15-40185256-G-C. GRCh37 (hg19) VCF-style: chr15-40477457-G-C.
Other names: c.843G>C (NM_001211.5); short protein forms E281D.
Identifiers: ClinVar variation 1444633 (VCV001444633.7), dbSNP rs1411409004, ClinGen allele CA391684320.

ClinVar aggregate classification (germline): Uncertain significance. Review status: criteria provided, multiple submitters, no conflicts (2 of 4 stars). 2 submissions from 2 submitters: Uncertain significance (2). Last evaluated 2024-12-10.

Conditions:
Inborn genetic diseases. Identifiers: MedGen C0950123, MeSH D030342.
Mosaic variegated aneuploidy syndrome 1 (MVA1). Also called: Warburton-Anyane-Yeboa syndrome. Identifiers: Orphanet 1052, MedGen C1850343, MONDO:0009759, OMIM 257300.

Allele frequency attached by ClinVar (database versions not stated): gnomAD exomes below 0.00001 and 0.00001; gnomAD 0.00001.
gnomAD v4.1: 3 of 1,613,838 alleles (0.00019%); highest among the groups gnomAD compares: African/African-American, 0.0013%; no homozygotes.

Submissions (2):

Ambry Genetics
Classification: Uncertain significance for Inborn genetic diseases. Last evaluated: 2024-12-10. Review status: criteria provided, single submitter. Criteria: Ambry Variant Classification Scheme 2023. Collection method: clinical testing. Allele origin: germline.

Labcorp Genetics (formerly Invitae), Labcorp
Classification: Uncertain significance for Mosaic variegated aneuploidy syndrome 1. Last evaluated: 2021-07-28. Review status: criteria provided, single submitter. Criteria: Invitae Variant Classification Sherloc (09022015). Collection method: clinical testing. Allele origin: germline.
Comment: In summary, the available evidence is currently insufficient to determine the role of this variant in disease. Therefore, it has been classified as a Variant of Uncertain Significance. Algorithms developed to predict the effect of missense changes on protein structure and function (SIFT, PolyPhen-2, Align-GVGD) all suggest that this variant is likely to be tolerated. This variant has not been reported in the literature in individuals affected with BUB1B-related conditions. This variant is not present in population databases (ExAC no frequency). This sequence change replaces glutamic acid with aspartic acid at codon 281 of the BUB1B protein (p.Glu281Asp). The glutamic acid residue is weakly conserved and there is a small physicochemical difference between glutamic acid and aspartic acid.